The following is an entry in ClinVar:

NM_207037.2(TCF12):c.686-1G>A

Gene: TCF12 (transcription factor 12; plus strand). Cytogenetic location: 15q21.3.
Variant type: single nucleotide variant.
Coding change: c.686-1G>A on transcript NM_207037.2 (MANE Select); the canonical splice acceptor site of the intron before coding-DNA position 686, G replaced by A.
Molecular consequence: splice acceptor variant. On other transcripts: intron variant (1).
Genome position (GRCh38, 1-based): chr15:57,232,290, G>A. VCF-style: chr15-57232290-G-A. GRCh37 (hg19) VCF-style: chr15-57524488-G-A.
Other names: c.686-1G>A (NM_001322151.2, NM_001322159.3, NM_001322157.3 and 7 more transcripts); c.512-1G>A (NM_001322156.2, NM_001322158.2); c.29-1G>A (NM_001322154.2); c.722-1G>A (NM_001322164.2); c.176-1G>A (NM_001306219.3, NM_207040.2); c.118-422G>A (NM_001306220.3).
Identifiers: ClinVar variation 2812008 (VCV002812008.4), dbSNP rs2551443212, ClinGen allele CA392591737.

ClinVar aggregate classification (germline): Likely pathogenic. Review status: criteria provided, multiple submitters, no conflicts (2 of 4 stars). 2 submissions from 2 submitters: Likely pathogenic (2). Last evaluated 2022-12-28.

Conditions:
TCF12-related disorder. Also called: TCF12-related condition.

Submissions (2):

Blueprint Genetics
Classification: Likely pathogenic for TCF12-related disorders. Last evaluated: 2022-12-28. Review status: criteria provided, single submitter. Criteria: ACMG Guidelines, 2015. Collection method: clinical testing. Allele origin: germline. Affected: yes. Observed: 1 variant allele.

Labcorp Genetics (formerly Invitae), Labcorp
Classification: Likely pathogenic. Last evaluated: 2022-11-04. Review status: criteria provided, single submitter. Criteria: Invitae Variant Classification Sherloc (09022015). Collection method: clinical testing. Allele origin: germline.
Comment: This variant is not present in population databases (gnomAD no frequency). This sequence change affects an acceptor splice site in intron 9 of the TCF12 gene. It is expected to disrupt RNA splicing. Variants that disrupt the donor or acceptor splice site typically lead to a loss of protein function (PMID: 16199547), and loss-of-function variants in TCF12 are known to be pathogenic (PMID: 23354436, 32620954). This variant has not been reported in the literature in individuals affected with TCF12-related conditions. In summary, the currently available evidence indicates that the variant is pathogenic, but additional data are needed to prove that conclusively. Therefore, this variant has been classified as Likely Pathogenic. Algorithms developed to predict the effect of sequence changes on RNA splicing suggest that this variant may disrupt the consensus splice site.

Literature cited by the submitters: PubMed 16199547 (cited by Labcorp Genetics (formerly Invitae), Labcorp); PubMed 23354436 (cited by Labcorp Genetics (formerly Invitae), Labcorp); PubMed 32620954 (cited by Labcorp Genetics (formerly Invitae), Labcorp).